The following is an entry in ClinVar:

NM_001042492.3(NF1):c.8412C>A (p.Thr2804=)

Gene: NF1 (neurofibromin 1; plus strand). Cytogenetic location: 17q11.2.
Variant type: single nucleotide variant.
Coding change: c.8412C>A on transcript NM_001042492.3 (MANE Select); coding-DNA position 8412, C replaced by A.
Protein change: p.Thr2804=; no amino-acid change (threonine 2804 retained).
Molecular consequence: synonymous variant.
Genome position (GRCh38, 1-based): chr17:31,374,047, C>A. VCF-style: chr17-31374047-C-A. GRCh37 (hg19) VCF-style: chr17-29701065-C-A.
Other names: c.8349C>A, p.Thr2783= (NM_000267.4).
Identifiers: ClinVar variation 4876180 (VCV004876180.1).

ClinVar aggregate classification (germline): Benign (1 of 4 stars; one submission).

Conditions:
Neurofibromatosis, type 1 (NF1). Also called: VON RECKLINGHAUSEN DISEASE; NEUROFIBROMATOSIS, TYPE I, SOMATIC; Peripheral type neurofibromatosis; Neurofibromatosis, type I. Identifiers: Orphanet 636, MedGen C0027831, MONDO:0018975, OMIM 162200. Disease mechanism: loss of function.

Submission:

Myriad Genetics, Inc.
Classification: Benign for Neurofibromatosis, type 1. Last evaluated: 2026-05-22. Review status: criteria provided, single submitter. Criteria: Myriad Autosomal Dominant, Autosomal Recessive and X-Linked Classification Criteria (2023). Collection method: clinical testing. Allele origin: unknown.
Comment: This variant is considered benign. This variant is a silent/synonymous amino acid change and it is not expected to impact splicing.